The following is an entry in ClinVar:

ClinVar aggregate classification (germline): Uncertain significance. Review status: criteria provided, multiple submitters, no conflicts (2 of 4 stars). 2 submissions from 2 submitters: Uncertain significance (2). Last evaluated 2025-08-17.

Conditions:
Hereditary cancer-predisposing syndrome. Also called: Hereditary Cancer Syndrome; Neoplastic Syndromes, Hereditary; Tumor predisposition; Hereditary neoplastic syndrome. Identifiers: Orphanet 140162, MedGen C0027672, MeSH D009386, MONDO:0015356.
Rhabdoid tumor predisposition syndrome 2 (RTPS2). Identifiers: Orphanet 231108, Orphanet 69077, MedGen C2750074, MONDO:0013224, OMIM 613325.

Submissions (2):

Labcorp Genetics (formerly Invitae), Labcorp
Classification: Uncertain significance for Rhabdoid tumor predisposition syndrome 2. Last evaluated: 2025-08-17. Review status: criteria provided, single submitter. Criteria: Invitae Variant Classification Sherloc (09022015). Collection method: clinical testing. Allele origin: germline.
Comment: This sequence change replaces glycine, which is neutral and non-polar, with aspartic acid, which is acidic and polar, at codon 37 of the SMARCA4 protein (p.Gly37Asp). This variant is not present in population databases (gnomAD no frequency). This variant has not been reported in the literature in individuals affected with SMARCA4-related conditions. ClinVar contains an entry for this variant (Variation ID: 1024910). Invitae Evidence Modeling of protein sequence and biophysical properties (such as structural, functional, and spatial information, amino acid conservation, physicochemical variation, residue mobility, and thermodynamic stability) indicates that this missense variant is not expected to disrupt SMARCA4 protein function with a negative predictive value of 80%. In summary, the available evidence is currently insufficient to determine the role of this variant in disease. Therefore, it has been classified as a Variant of Uncertain Significance.

Ambry Genetics
Classification: Uncertain significance for Hereditary cancer-predisposing syndrome. Last evaluated: 2021-03-31. Review status: criteria provided, single submitter. Criteria: Ambry Variant Classification Scheme 2023. Collection method: clinical testing. Allele origin: germline.
Comment: The p.G37D variant (also known as c.110G>A), located in coding exon 1 of the SMARCA4 gene, results from a G to A substitution at nucleotide position 110. The glycine at codon 37 is replaced by aspartic acid, an amino acid with similar properties. This amino acid position is highly conserved in available vertebrate species. In addition, this alteration is predicted to be deleterious by in silico analysis. Missense and in-frame variants in SMARCA4 are known to cause neurodevelopmental disorders; however, such associations with rhabdoid tumor predisposition syndrome including small cell carcinoma of the ovary-hypercalcemic type (SCCOHT) are exceedingly rare (Kosho T et al. Am J Med Genet C Semin Med Genet. 2014 Sep;166C(3):262-75; Jelinic P et al. Nat Genet. 2014 May;46(5):424-6). Since supporting evidence is limited at this time, the clinical significance of this alteration remains unclear.

NM_003072.5(SMARCA4):c.110G>A (p.Gly37Asp)

Gene: SMARCA4 (SWI/SNF related BAF chromatin remodeling complex subunit ATPase 4; plus strand). Cytogenetic location: 19p13.2.
Variant type: single nucleotide variant.
Coding change: c.110G>A on transcript NM_003072.5 (MANE Select); coding-DNA position 110, G replaced by A.
Protein change: p.Gly37Asp; replaces glycine 37 with aspartic acid.
Molecular consequence: missense variant. On other transcripts: non-coding transcript variant (1).
Genome position (GRCh38, 1-based): chr19:10,984,261, G>A. VCF-style: chr19-10984261-G-A. GRCh37 (hg19) VCF-style: chr19-11094937-G-A.
Other names: c.110G>A, p.Gly37Asp (NM_001128844.3, NM_001128845.2, NM_001128846.2 and 4 more transcripts); short protein forms G37D.
Identifiers: ClinVar variation 1024910 (VCV001024910.11), dbSNP rs2085813185, ClinGen allele CA404054255.